The following is an entry in ClinVar:

NM_000059.4(BRCA2):c.362A>T (p.Lys121Ile)

Gene: BRCA2 (BRCA2 DNA repair associated; plus strand). Cytogenetic location: 13q13.1.
Variant type: single nucleotide variant.
Coding change: c.362A>T on transcript NM_000059.4 (MANE Select); coding-DNA position 362, A replaced by T.
Protein change: p.Lys121Ile; replaces lysine 121 with isoleucine.
Molecular consequence: missense variant.
Genome position (GRCh38, 1-based): chr13:32,325,121, A>T. VCF-style: chr13-32325121-A-T. GRCh37 (hg19) VCF-style: chr13-32899258-A-T.
Other names: c.362A>T, p.Lys121Ile (NM_001406719.1, NM_001406720.1, NM_001406721.1); c.-8A>T (NM_001406722.1); short protein forms K121I.
Identifiers: ClinVar variation 1709512 (VCV001709512.6), dbSNP rs2137446416, ClinGen allele CA387756614.

ClinVar aggregate classification (germline): Conflicting classifications of pathogenicity. Review status: criteria provided, conflicting classifications (1 of 4 stars). 3 submissions from 3 submitters: Uncertain significance (2); Likely benign (1). Last evaluated 2024-02-09.

Conditions:
Hereditary cancer-predisposing syndrome. Also called: Neoplastic Syndromes, Hereditary; Tumor predisposition; Hereditary Cancer Syndrome; Hereditary neoplastic syndrome. Identifiers: Orphanet 140162, MedGen C0027672, MeSH D009386, MONDO:0015356.
Familial cancer of breast. Also called: Hereditary breast cancer; BREAST CANCER, FAMILIAL; hereditary breast carcinoma. Identifiers: Orphanet 227535, MedGen C0346153, MONDO:0016419, OMIM 114480. Disease mechanism: loss of function.

Allele frequency attached by ClinVar (database versions not stated): gnomAD exomes below 0.00001.
gnomAD v4.1: 1 of 1,610,166 alleles (0.000062%); highest among the groups gnomAD compares: Non-Finnish European, 0.000085%; no homozygotes.

Submissions (3):

MGZ Medical Genetics Center
Classification: Likely benign for Familial cancer of breast. Last evaluated: 2024-02-09. Review status: criteria provided, single submitter. Criteria: CSpec BRCA1/2ACMG Rules Specifications V1.1.0. Collection method: clinical testing. Allele origin: germline. Affected: yes.
Comment: ACMG codes applied following ENIGMA VCEP rules: BP1_STR, PM2_SUP

Color Diagnostics, LLC DBA Color Health
Classification: Uncertain significance for Hereditary cancer-predisposing syndrome. Last evaluated: 2023-12-13. Review status: criteria provided, single submitter. Criteria: ACMG Guidelines, 2015. Collection method: clinical testing. Allele origin: germline.
Comment: This missense variant replaces lysine with isoleucine at codon 121 of the BRCA2 protein. Computational prediction suggests that this variant may not impact protein structure and function (internally defined REVEL score threshold <= 0.5, PMID: 27666373). To our knowledge, functional studies have not been reported for this variant. This variant has not been reported in individuals affected with BRCA2-related disorders in the literature. This variant has not been identified in the general population by the Genome Aggregation Database (gnomAD). The available evidence is insufficient to determine the role of this variant in disease conclusively. Therefore, this variant is classified as a Variant of Uncertain Significance.

Ambry Genetics
Classification: Uncertain significance for Hereditary cancer-predisposing syndrome. Last evaluated: 2023-05-01. Review status: criteria provided, single submitter. Criteria: Ambry Variant Classification Scheme 2023. Collection method: clinical testing. Allele origin: germline.
Comment: The p.K121I variant (also known as c.362A>T), located in coding exon 3 of the BRCA2 gene, results from an A to T substitution at nucleotide position 362. The lysine at codon 121 is replaced by isoleucine, an amino acid with dissimilar properties. This amino acid position is not well conserved in available vertebrate species. In addition, this alteration is predicted to be tolerated by in silico analysis. Since supporting evidence is limited at this time, the clinical significance of this alteration remains unclear.